The following is an entry in ClinVar:

NM_001354930.2(RIPK1):c.386T>C (p.Leu129Ser)

Gene: RIPK1 (receptor interacting serine/threonine kinase 1; plus strand). Cytogenetic location: 6p25.2.
Variant type: single nucleotide variant.
Coding change: c.386T>C on transcript NM_001354930.2 (MANE Select); coding-DNA position 386, T replaced by C.
Protein change: p.Leu129Ser; replaces leucine 129 with serine.
Molecular consequence: missense variant. On other transcripts: 5 prime UTR variant (4), intron variant (1).
Genome position (GRCh38, 1-based): chr6:3,081,043, T>C. VCF-style: chr6-3081043-T-C. GRCh37 (hg19) VCF-style: chr6-3081277-T-C.
Other names: c.-218T>C (NM_001317061.3, NM_001354932.2, NM_001354933.2 and 1 more transcripts); c.386T>C, p.Leu129Ser (NM_003804.6); c.322-2042T>C (NM_001354931.2); short protein forms L129S.
Identifiers: ClinVar variation 1474445 (VCV001474445.8), dbSNP rs1375077428, ClinGen allele CA362576803.
Genomic context (GRCh38, chr6:3,081,043, plus strand): 5'-GTACTCCGCTTTCTGTAAAAGGAAGGATAATTTTGGAAATCATTGAAGGAATGTGCTACT[T>C]ACATGGAAAAGGCGTGATACACAAGGACCTGAAGCCTGAAAATATCCTTGTTGATAATGA-3'
Protein context (NP_001341859.1, residues 119-139): ILEIIEGMCY[Leu129Ser]HGKGVIHKDL

ClinVar aggregate classification (germline): Uncertain significance (1 of 4 stars; one submission).

Allele frequency attached by ClinVar (database versions not stated): TOPMed below 0.00001; gnomAD 0.00001; gnomAD exomes 0.00001.
gnomAD v4.1: 12 of 1,614,030 alleles (0.00074%); highest among the groups gnomAD compares: Non-Finnish European, 0.001%; no homozygotes.

Submission:

Labcorp Genetics (formerly Invitae), Labcorp
Classification: Uncertain significance. Last evaluated: 2025-11-04. Review status: criteria provided, single submitter. Criteria: Invitae Variant Classification Sherloc (09022015). Collection method: clinical testing. Allele origin: germline.
Comment: This sequence change replaces leucine, which is neutral and non-polar, with serine, which is neutral and polar, at codon 129 of the RIPK1 protein (p.Leu129Ser). This variant is not present in population databases (gnomAD no frequency). This variant has not been reported in the literature in individuals affected with RIPK1-related conditions. ClinVar contains an entry for this variant (Variation ID: 1474445). An algorithm developed to predict the effect of missense changes on protein structure and function (PolyPhen-2) suggests that this variant is likely to be disruptive. In summary, the available evidence is currently insufficient to determine the role of this variant in disease. Therefore, it has been classified as a Variant of Uncertain Significance.